The following is an entry in ClinVar:

NM_002335.4(LRP5):c.3297C>T (p.Asp1099=)

Gene: LRP5 (LDL receptor related protein 5; plus strand). Cytogenetic location: 11q13.2.
Variant type: single nucleotide variant.
Coding change: c.3297C>T on transcript NM_002335.4 (MANE Select); coding-DNA position 3297, C replaced by T.
Protein change: p.Asp1099=; no amino-acid change (aspartic acid 1099 retained).
Molecular consequence: synonymous variant.
Genome position (GRCh38, 1-based): chr11:68,425,162, C>T. VCF-style: chr11-68425162-C-T. GRCh37 (hg19) VCF-style: chr11-68192630-C-T.
Other names: p.Asp1099=; c.1554C>T, p.Asp518= (NM_001291902.2).
Identifiers: ClinVar variation 258637 (VCV000258637.19), dbSNP rs17149104, ClinGen allele CA6149939.

ClinVar aggregate classification (germline): Benign. Review status: criteria provided, multiple submitters, no conflicts (2 of 4 stars). 9 submissions from 9 submitters: Benign (7). 2 of the submissions do not count toward it. Last evaluated 2026-02-01.

Allele frequency attached by ClinVar (database versions not stated): gnomAD exomes 0.02225; ExAC 0.02542; 1000 Genomes Project 0.06450; ESP Exome Variant Server 0.06575; TOPMed 0.06667; 1000 Genomes Project 30x 0.07058.
gnomAD v4.1: 33,590 of 1,613,646 alleles (2.1%); highest among the groups gnomAD compares: African/African-American, 18%; 1,482 homozygotes.

Submissions (9):

Labcorp Genetics (formerly Invitae), Labcorp
Classification: Benign. Last evaluated: 2026-02-01. Review status: criteria provided, single submitter. Criteria: Invitae Variant Classification Sherloc (09022015). Collection method: clinical testing. Allele origin: germline.

Athena Diagnostics
Classification: Benign. Last evaluated: 2025-10-01. Review status: criteria provided, single submitter. Criteria: Athena Diagnostics Criteria. Collection method: clinical testing. Allele origin: unknown.
Comment: The frequency of this variant in the general population is higher than would generally be expected for pathogenic variants in this gene. Computational tools yielded predictions that this variant is unlikely to have an effect on normal RNA splicing. This nucleotide position exhibits low evolutionary conservation.

Blueprint Genetics
Classification: Benign. Last evaluated: 2024-11-27. Review status: criteria provided, single submitter. Criteria: ACMG Guidelines, 2015. Collection method: clinical testing. Allele origin: germline.

Mayo Clinic Laboratories, Mayo Clinic
Classification: Benign. Last evaluated: 2022-04-26. Review status: criteria provided, single submitter. Criteria: ACMG Guidelines, 2015. Collection method: clinical testing. Allele origin: germline. Observed: 25 variant alleles.

GeneDx
Classification: Benign. Last evaluated: 2015-03-03. Review status: criteria provided, single submitter. Criteria: GeneDx Variant Classification Process June 2021. Collection method: clinical testing. Allele origin: germline. Affected: yes.

Breakthrough Genomics
Classification: Benign. Review status: criteria provided, single submitter. Criteria: ACMG Guidelines, 2015. Collection method: not provided. Allele origin: germline. Inheritance: Autosomal recessive inheritance. Affected: yes.

PreventionGenetics, part of Exact Sciences
Classification: Benign. Review status: criteria provided, single submitter. Criteria: ACMG Guidelines, 2015. Collection method: clinical testing. Allele origin: germline.

Genome Diagnostics Laboratory, Amsterdam University Medical Center
Classification: Benign. Review status: no assertion criteria provided. Collection method: clinical testing. Allele origin: germline. Affected: yes. Study: VKGL Data-share Consensus. Not counted in ClinVar's aggregate classification.

Joint Genome Diagnostic Labs from Nijmegen and Maastricht, Radboudumc and MUMC+
Classification: Benign. Review status: no assertion criteria provided. Collection method: clinical testing. Allele origin: germline. Affected: yes. Study: VKGL Data-share Consensus. Not counted in ClinVar's aggregate classification.

Literature cited by the submitters: PubMed 12579474 (cited by Athena Diagnostics); PubMed 15824851 (cited by Athena Diagnostics); PubMed 17223614 (cited by Athena Diagnostics).